The following is an entry in ClinVar:

ClinVar aggregate classification (germline): Uncertain significance (1 of 4 stars; one submission).

Conditions:
Bloom syndrome (BLM). Also called: Bloom-Torre-Machacek syndrome. Identifiers: Orphanet 125, MedGen C0005859, MONDO:0008876, OMIM 210900.

Submission:

Labcorp Genetics (formerly Invitae), Labcorp
Classification: Uncertain significance for Bloom syndrome. Last evaluated: 2022-09-13. Review status: criteria provided, single submitter. Criteria: Invitae Variant Classification Sherloc (09022015). Collection method: clinical testing. Allele origin: germline.
Comment: In summary, the available evidence is currently insufficient to determine the role of this variant in disease. Therefore, it has been classified as a Variant of Uncertain Significance. Algorithms developed to predict the effect of missense changes on protein structure and function output the following: SIFT: "Tolerated"; PolyPhen-2: "Benign"; Align-GVGD: "Class C0". The cysteine amino acid residue is found in multiple mammalian species, which suggests that this missense change does not adversely affect protein function. ClinVar contains an entry for this variant (Variation ID: 1439043). This variant has not been reported in the literature in individuals affected with BLM-related conditions. This variant is not present in population databases (gnomAD no frequency). This sequence change replaces tryptophan, which is neutral and slightly polar, with cysteine, which is neutral and slightly polar, at codon 230 of the BLM protein (p.Trp230Cys).

NM_000057.4(BLM):c.690G>T (p.Trp230Cys)

Gene: BLM (BLM RecQ like helicase; plus strand). Cytogenetic location: 15q26.1.
Variant type: single nucleotide variant.
Coding change: c.690G>T on transcript NM_000057.4 (MANE Select); coding-DNA position 690, G replaced by T.
Protein change: p.Trp230Cys; replaces tryptophan 230 with cysteine.
Molecular consequence: missense variant. On other transcripts: 5 prime UTR variant (1).
Genome position (GRCh38, 1-based): chr15:90,749,958, G>T. VCF-style: chr15-90749958-G-T. GRCh37 (hg19) VCF-style: chr15-91293188-G-T.
Other names: c.690G>T, p.Trp230Cys (NM_001287246.2, NM_001287247.2); c.-602G>T (NM_001287248.2); short protein forms W230C.
Identifiers: ClinVar variation 1439043 (VCV001439043.6), dbSNP rs1895633501, ClinGen allele CA393841348.